The following is an entry in ClinVar:

NM_002471.4(MYH6):c.2791GAG[2] (p.Glu933del)

Gene: MYH6 (myosin heavy chain 6; minus strand). Cytogenetic location: 14q11.2.
Variant type: Microsatellite.
Coding change: c.2791GAG[2] on transcript NM_002471.4 (MANE Select); two copies in a row of the 3-base unit GAG starting at c.2791; the reference has three copies in a row; one copy, 3 bases deleted.
Protein change: p.Glu933del; deletes glutamic acid 933.
Molecular consequence: inframe deletion. On other transcripts: inframe indel (2).
Genome position (GRCh38, 1-based): chr14:23,393,795-23,393,797, CTC deleted on the plus strand (GAG on the coding strand, the reverse complement: MYH6 is on the minus strand); deleting any 3 consecutive bases within chr14:23,393,795-23,393,803 gives the same sequence; the position shown is the placement nearest the transcript's 3' end. VCF-style (leftmost placement, unchanged base first): chr14-23393794-TCTC-T. GRCh37 (hg19) VCF-style: chr14-23863003-TCTC-T.
Other names: c.2791_2793GAG[2], p.Glu933del (NM_002471.3); c.2797_2799delGAG (NM_002471.3); short protein forms E933del.
Identifiers: ClinVar variation 1796099 (VCV001796099.2), dbSNP rs2502170525, ClinGen allele CA2580616564.

ClinVar aggregate classification (germline): Uncertain significance (1 of 4 stars; one submission).

Conditions:
Cardiovascular phenotype. Identifiers: MedGen CN230736.

Submission:

Ambry Genetics
Classification: Uncertain significance for Cardiovascular phenotype. Last evaluated: 2022-03-17. Review status: criteria provided, single submitter. Criteria: Ambry Variant Classification Scheme 2023. Collection method: clinical testing. Allele origin: germline.
Comment: The c.2797_2799delGAG variant (also known as p.E933del) is located in coding exon 20 of the MYH6 gene. This variant results from an in-frame GAG deletion at nucleotide positions 2797 to 2799. This results in the in-frame deletion of a glutamic acid at codon 933. This alteration was reported in an individual with sick sinus syndrome; however, there were no signs of structural heart anomalies (Ishikawa T et al. Circ Arrhythm Electrophysiol, 2015 Apr;8:400-8). This amino acid position is highly conserved in available vertebrate species. In addition, this alteration is predicted to be deleterious by in silico analysis (Choi Y et al. PLoS ONE. 2012; 7(10):e46688). Since supporting evidence is limited at this time, the clinical significance of this alteration remains unclear.

Literature cited by the submitters: PubMed 25717017.